The following is an entry in ClinVar:

ClinVar aggregate classification (germline): Benign. Review status: criteria provided, multiple submitters, no conflicts (2 of 4 stars). 2 submissions from 2 submitters: Benign (2). Last evaluated 2018-01-13.

Conditions:
Autosomal recessive omodysplasia (OMOD1). Also called: MICROMELIC DYSPLASIA, CONGENITAL, WITH DISLOCATION OF RADIUS. Identifiers: Orphanet 2733, Orphanet 93329, MedGen C1850318, MONDO:0009779, OMIM 258315.

Allele frequency attached by ClinVar (database versions not stated): 1000 Genomes Project 30x 0.02046; 1000 Genomes Project 0.02117; TOPMed 0.03081; gnomAD 0.03546 and 0.03649.

Submissions (2):

Illumina Laboratory Services, Illumina
Classification: Benign for Autosomal recessive omodysplasia. Last evaluated: 2018-01-13. Review status: criteria provided, single submitter. Criteria: ICSL Variant Classification Criteria 13 December 2019. Collection method: clinical testing. Allele origin: germline.
Comment: This variant was observed in the ICSL laboratory as part of a predisposition screen in an ostensibly healthy population. It had not been previously curated by ICSL or reported in the Human Gene Mutation Database (HGMD: prior to June 1st, 2018), and was therefore a candidate for classification through an automated scoring system. Utilizing variant allele frequency, disease prevalence and penetrance estimates, and inheritance mode, an automated score was calculated to assess if this variant is too frequent to cause the disease. Based on the score and internal cut-off values, a variant classified as benign is not then subjected to further curation. The score for this variant resulted in a classification of benign for this disease.

Breakthrough Genomics
Classification: Benign. Review status: criteria provided, single submitter. Criteria: ACMG Guidelines, 2015. Collection method: not provided. Allele origin: germline. Inheritance: Autosomal recessive inheritance. Affected: yes.

NM_005708.5(GPC6):c.*4182C>A

Gene: GPC6 (glypican 6; plus strand). Cytogenetic location: 13q32.1.
Variant type: single nucleotide variant.
Coding change: c.*4182C>A on transcript NM_005708.5 (MANE Select); 4182 bases downstream of the stop codon, C replaced by A.
Molecular consequence: 3 prime UTR variant.
Genome position (GRCh38, 1-based): chr13:94,407,399, C>A. VCF-style: chr13-94407399-C-A. GRCh37 (hg19) VCF-style: chr13-95059653-C-A.
Identifiers: ClinVar variation 312606 (VCV000312606.6), dbSNP rs41275874, ClinGen allele CA10643799.